The following is an entry in ClinVar:

ClinVar aggregate classification (germline): Uncertain significance (1 of 4 stars; one submission).

Conditions:
Brachyolmia-amelogenesis imperfecta syndrome. Also called: PLATYSPONDYLY WITH AMELOGENESIS IMPERFECTA; Tooth agenesis, selective, 6; Dental anomalies and short stature. Identifiers: Orphanet 2899, MedGen C1832594, MONDO:0011018, OMIM 601216. Disease mechanism: loss of function.

Submission:

Labcorp Genetics (formerly Invitae), Labcorp
Classification: Uncertain significance for Brachyolmia-amelogenesis imperfecta syndrome. Last evaluated: 2022-07-05. Review status: criteria provided, single submitter. Criteria: Invitae Variant Classification Sherloc (09022015). Collection method: clinical testing. Allele origin: germline.
Comment: ClinVar contains an entry for this variant (Variation ID: 1464465). This variant has not been reported in the literature in individuals affected with LTBP3-related conditions. This variant is present in population databases (no rsID available, gnomAD no frequency). This sequence change replaces histidine, which is basic and polar, with glutamine, which is neutral and polar, at codon 413 of the LTBP3 protein (p.His413Gln). In summary, the available evidence is currently insufficient to determine the role of this variant in disease. Therefore, it has been classified as a Variant of Uncertain Significance. Algorithms developed to predict the effect of missense changes on protein structure and function (SIFT, PolyPhen-2, Align-GVGD) all suggest that this variant is likely to be tolerated.

NM_001130144.3(LTBP3):c.1239C>G (p.His413Gln)

Gene: LTBP3 (latent transforming growth factor beta binding protein 3; minus strand). Cytogenetic location: 11q13.1.
Variant type: single nucleotide variant.
Coding change: c.1239C>G on transcript NM_001130144.3 (MANE Select); coding-DNA position 1239, C replaced by G.
Protein change: p.His413Gln; replaces histidine 413 with glutamine.
Molecular consequence: missense variant.
Genome position (GRCh38, 1-based): chr11:65,552,354, G>C on the plus strand (C>G on the coding strand, the complement: LTBP3 is on the minus strand). VCF-style: chr11-65552354-G-C. GRCh37 (hg19) VCF-style: chr11-65319825-G-C.
Other names: c.888C>G, p.His296Gln (NM_001164266.1); c.1239C>G, p.His413Gln (NM_021070.4); short protein forms H296Q, H413Q.
Identifiers: ClinVar variation 1464465 (VCV001464465.8), dbSNP rs772094176, ClinGen allele CA381274035.
Genomic context (GRCh38, chr11:65,552,354, plus strand): 5'-GCCGACACTGCAGCAGCAGAGCTGGCGGGTCAGGCGGGTGGTCAGTGGGTGCTGGCACTG[G>C]TGCTCAGGGCTCACCAGGCGGAAACACAGGCTCTTCTCCTCCGGTTTGTCTGCTGCAGGG-3'
Protein context (NP_001123616.1, residues 403-423): SLCFRLVSPE[His413Gln]QCQHPLTTRL